The following is an entry in ClinVar:

NM_033028.5(BBS4):c.1336A>C (p.Lys446Gln)

Gene: BBS4 (Bardet-Biedl syndrome 4; plus strand). Cytogenetic location: 15q24.1.
Variant type: single nucleotide variant.
Coding change: c.1336A>C on transcript NM_033028.5 (MANE Select); coding-DNA position 1336, A replaced by C.
Protein change: p.Lys446Gln; replaces lysine 446 with glutamine.
Molecular consequence: missense variant. On other transcripts: non-coding transcript variant (2).
Genome position (GRCh38, 1-based): chr15:72,736,849, A>C. VCF-style: chr15-72736849-A-C. GRCh37 (hg19) VCF-style: chr15-73029190-A-C.
Other names: c.820A>C, p.Lys274Gln (NM_001252678.2); c.1267A>C, p.Lys423Gln (NM_001320665.2); short protein forms K423Q, K446Q, K274Q.
Identifiers: ClinVar variation 1504851 (VCV001504851.3), dbSNP rs201230357, ClinGen allele CA7646999.

ClinVar aggregate classification (germline): Uncertain significance (1 of 4 stars; one submission).

Conditions:
Bardet-Biedl syndrome (BBS). Identifiers: Orphanet 110, MedGen C0752166, MONDO:0015229.

Allele frequency attached by ClinVar (database versions not stated): gnomAD exomes 0.00001 and 0.00003; ExAC 0.00002.
gnomAD v4.1: 18 of 1,614,192 alleles (0.0011%); highest among the groups gnomAD compares: East Asian, 0.04%; no homozygotes.

Submission:

Labcorp Genetics (formerly Invitae), Labcorp
Classification: Uncertain significance for Bardet-Biedl syndrome. Last evaluated: 2022-11-01. Review status: criteria provided, single submitter. Criteria: Invitae Variant Classification Sherloc (09022015). Collection method: clinical testing. Allele origin: germline.
Comment: This sequence change replaces lysine, which is basic and polar, with glutamine, which is neutral and polar, at codon 446 of the BBS4 protein (p.Lys446Gln). This variant is present in population databases (rs201230357, gnomAD 0.02%). This variant has not been reported in the literature in individuals affected with BBS4-related conditions. ClinVar contains an entry for this variant (Variation ID: 1504851). Algorithms developed to predict the effect of missense changes on protein structure and function are either unavailable or do not agree on the potential impact of this missense change (SIFT: "Deleterious"; PolyPhen-2: "Benign"; Align-GVGD: "Class C0"). In summary, the available evidence is currently insufficient to determine the role of this variant in disease. Therefore, it has been classified as a Variant of Uncertain Significance.